The following is an entry in ClinVar:

ClinVar aggregate classification (germline): Pathogenic. Review status: criteria provided, multiple submitters, no conflicts (2 of 4 stars). 2 submissions from 2 submitters: Pathogenic (2). Last evaluated 2018-01-23.

Conditions:
Hereditary spastic paraplegia 4. Also called: Spastic paraplegia 4, autosomal dominant; Spastic Paraplegia 4; Familial spastic paraplegia autosomal dominant 2. Identifiers: Orphanet 100985, MedGen C1866855, MONDO:0008438, OMIM 182601.

Submissions (2):

Institute of Human Genetics, University of Leipzig Medical Center
Classification: Pathogenic for Hereditary spastic paraplegia 4. Last evaluated: 2018-01-23. Review status: criteria provided, single submitter. Criteria: ACMG Guidelines, 2015. Collection method: clinical testing. Allele origin: germline. Affected: yes. Observed: 1 variant allele.

Labcorp Genetics (formerly Invitae), Labcorp
Classification: Pathogenic for Hereditary spastic paraplegia 4. Last evaluated: 2015-05-18. Review status: criteria provided, single submitter. Criteria: Invitae Variant Classification Sherloc (09022015). Collection method: clinical testing. Allele origin: germline.
Comment: For these reasons, this variant has been classified as Pathogenic. Truncating variants in SPAST are known to be pathogenic. This particular truncation has been reported in the literature in two individuals affected with HSP (PMID: 18664244, 18701882). This sequence change creates a premature translational stop signal at codon 473 (p.Gln473*). It is expected to result in an absent or disrupted protein product.

Literature cited by the submitters: PubMed 18664244 (cited by Labcorp Genetics (formerly Invitae), Labcorp); PubMed 18701882 (cited by Labcorp Genetics (formerly Invitae), Labcorp).

NM_014946.4(SPAST):c.1417C>T (p.Gln473Ter)

Gene: SPAST (spastin; plus strand). Cytogenetic location: 2p22.3.
Variant type: single nucleotide variant.
Coding change: c.1417C>T on transcript NM_014946.4 (MANE Select); coding-DNA position 1417, C replaced by T.
Protein change: p.Gln473Ter; replaces glutamine 473 with a stop codon.
Molecular consequence: nonsense.
Genome position (GRCh38, 1-based): chr2:32,137,112, C>T. VCF-style: chr2-32137112-C-T. GRCh37 (hg19) VCF-style: chr2-32362181-C-T.
Other names: c.1414C>T, p.Gln472Ter (NM_001363823.2); c.1318C>T, p.Gln440Ter (NM_001363875.2); c.1321C>T, p.Gln441Ter (NM_001377959.1, NM_199436.2); short protein forms Q473*, Q441*, Q472*, Q440*.
Identifiers: ClinVar variation 216111 (VCV000216111.9), dbSNP rs757130394, ClinGen allele CA337296.
Genomic context (GRCh38, chr2:32,137,112, plus strand): 5'-TCTTTATATTTGTTATTACTTTTCTAAATGAATTGAAAAAAGATTTTTTGCTTGTAGGTA[C>T]AGTCTGCTGGAGATGACAGAGTACTTGTAATGGGTGCAACTAATAGGCCACAAGAGCTTG-3'